The following is an entry in ClinVar:

ClinVar aggregate classification (germline): Conflicting classifications of pathogenicity. Review status: criteria provided, conflicting classifications (1 of 4 stars). 4 submissions from 4 submitters: Uncertain significance (2); Likely benign (1). 1 of the submissions does not count toward it. Last evaluated 2025-01-15.

Conditions:
Primary ciliary dyskinesia. Also called: Ciliary dyskinesia. Identifiers: Orphanet 244, MedGen C0008780, MONDO:0016575, HP:0012265.

Allele frequency attached by ClinVar (database versions not stated): gnomAD exomes 0.00001; ExAC 0.00002; ESP Exome Variant Server 0.00008; gnomAD 0.00011 and 0.00012; TOPMed 0.00014.
gnomAD v4.1: 51 of 1,614,108 alleles (0.0032%); highest among the groups gnomAD compares: Middle Eastern, 0.066%; no homozygotes.

Submissions (4):

Mayo Clinic Laboratories, Mayo Clinic
Classification: Likely benign. Last evaluated: 2025-01-15. Review status: criteria provided, single submitter. Criteria: ACMG Guidelines, 2015. Collection method: clinical testing. Allele origin: germline. Observed: 1 variant allele.
Comment: BP4, BP7

Ambry Genetics
Classification: Uncertain significance for Primary ciliary dyskinesia. Last evaluated: 2024-02-21. Review status: criteria provided, single submitter. Criteria: Ambry Variant Classification Scheme 2023. Collection method: clinical testing. Allele origin: germline.
Comment: The c.6444+4T>C intronic variant results from a T to C substitution 4 nucleotides after coding exon 38 in the DNAH5 gene. This nucleotide position is not well conserved in available vertebrate species. In silico splice site analysis predicts that this alteration will not have any significant effect on splicing. Based on the available evidence, the clinical significance of this alteration remains unclear.

Labcorp Genetics (formerly Invitae), Labcorp
Classification: Uncertain significance for Primary ciliary dyskinesia. Last evaluated: 2022-07-06. Review status: criteria provided, single submitter. Criteria: Invitae Variant Classification Sherloc (09022015). Collection method: clinical testing. Allele origin: germline.
Comment: This sequence change falls in intron 38 of the DNAH5 gene. It does not directly change the encoded amino acid sequence of the DNAH5 protein. It affects a nucleotide within the consensus splice site. This variant is present in population databases (rs377638408, gnomAD 0.04%). This variant has not been reported in the literature in individuals affected with DNAH5-related conditions. ClinVar contains an entry for this variant (Variation ID: 238982). Variants that disrupt the consensus splice site are a relatively common cause of aberrant splicing (PMID: 17576681, 9536098). Algorithms developed to predict the effect of sequence changes on RNA splicing suggest that this variant is not likely to affect RNA splicing. In summary, the available evidence is currently insufficient to determine the role of this variant in disease. Therefore, it has been classified as a Variant of Uncertain Significance.

Natera, Inc.
Classification: Uncertain significance for Primary ciliary dyskinesia. Last evaluated: 2019-11-11. Review status: no assertion criteria provided. Collection method: clinical testing. Allele origin: germline. Not counted in ClinVar's aggregate classification.

Literature cited by the submitters: PubMed 17576681 (cited by Labcorp Genetics (formerly Invitae), Labcorp); PubMed 9536098 (cited by Labcorp Genetics (formerly Invitae), Labcorp).

NM_001369.3(DNAH5):c.6444+4T>C

Gene: DNAH5 (dynein axonemal heavy chain 5; minus strand). Cytogenetic location: 5p15.2.
Variant type: single nucleotide variant.
Coding change: c.6444+4T>C on transcript NM_001369.3 (MANE Select); 4 bases into the intron after coding-DNA position 6444, T replaced by C.
Molecular consequence: intron variant.
Genome position (GRCh38, 1-based): chr5:13,829,506, A>G on the plus strand (T>C on the coding strand, the complement: DNAH5 is on the minus strand). VCF-style: chr5-13829506-A-G. GRCh37 (hg19) VCF-style: chr5-13829615-A-G.
Other names: p.?.
Identifiers: ClinVar variation 238982 (VCV000238982.10), dbSNP rs377638408, ClinGen allele CA3203404.
Genomic context (GRCh38, chr5:13,829,506, plus strand): 5'-GAACATTCTGCTGAATAGAAAAATGAAACATGCCTAAGTGCATAAGACCTCCAGGATGAC[A>G]CACCTGCTTAGAAAGCTGCTCCTCACACAGTTTGTAGAGCGTGAAAAACTTCCTGGCCAA-3'